The following is an entry in ClinVar:

NM_001165963.4(SCN1A):c.4830_4836delinsAGGTAATGG (p.Val1611fs)

Genes: SCN1A (sodium voltage-gated channel alpha subunit 1; minus strand), LOC102724058 (uncharacterized LOC102724058; plus strand). Cytogenetic location: 2q24.3.
Variant type: Indel.
Coding change: c.4830_4836delinsAGGTAATGG on transcript NM_001165963.4 (MANE Select); coding-DNA positions 4830 to 4836, GGTTGTC replaced by AGGTAATGG.
Protein change: p.Val1611fs; shifts the reading frame from valine 1611.
Molecular consequence: frameshift variant. On other transcripts: non-coding transcript variant (1).
Genome position (GRCh38, 1-based): chr2:165,994,162-165,994,168, GACAACC replaced by CCATTACCT on the plus strand (GGTTGTC replaced by AGGTAATGG on the coding strand, the reverse complement: SCN1A is on the minus strand). VCF-style: chr2-165994162-GACAACC-CCATTACCT. GRCh37 (hg19) VCF-style: chr2-166850672-GACAACC-CCATTACCT.
Other names: c.4746_4752delinsAGGTAATGG, p.Val1583fs (NM_001165964.3, NM_001353957.2, NM_001353958.2); c.4830_4836delinsAGGTAATGG, p.Val1611fs (NM_001202435.3, NM_001353948.2); c.4797_4803delinsAGGTAATGG, p.Val1600fs (NM_001353949.2, NM_001353950.2, NM_001353951.2 and 2 more transcripts); c.4794_4800delinsAGGTAATGG, p.Val1599fs (NM_001353954.2, NM_001353955.2); c.4743_4749delinsAGGTAATGG, p.Val1582fs (NM_001353960.2); c.2388_2394delinsAGGTAATGG, p.Val797fs (NM_001353961.2); c.4830_4836delGGTTGTCinsAGGTAATGG (NM_001165963.1); c.4830_4836delinsAGGTAATGG (NM_001165963.1); short protein forms V1600fs, V797fs, V1582fs, V1599fs, V1611fs, V1583fs.
Identifiers: ClinVar variation 817118 (VCV000817118.2), dbSNP rs1573962628, ClinGen allele CA915942870.

ClinVar aggregate classification (germline): Likely pathogenic (1 of 4 stars; one submission).

Submission:

GeneDx
Classification: Likely pathogenic. Last evaluated: 2024-12-19. Review status: criteria provided, single submitter. Criteria: GeneDx Variant Classification Process June 2021. Collection method: clinical testing. Allele origin: germline. Affected: yes.
Comment: Frameshift variant predicted to result in abnormal protein length as the last 399 amino acids are replaced with 7 different amino acids, and other similar variants have been reported in HGMD; Not observed at significant frequency in large population cohorts (gnomAD); Has not been previously published as pathogenic or benign to our knowledge